The following is an entry in ClinVar:

ClinVar aggregate classification (germline): Benign/Likely benign. Review status: criteria provided, multiple submitters, no conflicts (2 of 4 stars). 13 submissions from 13 submitters: Benign (8); Likely benign (2). 3 of the submissions do not count toward it. Last evaluated 2026-02-04.

Conditions:
Focal segmental glomerulosclerosis (FSGS). Also called: Glomerulosclerosis, focal; Focal sclerosis with hyalinosis. Identifiers: MedGen C0017668, MONDO:0100313, HP:0000097. Disease mechanism: loss of function.
Finnish congenital nephrotic syndrome (NPHS1). Also called: NEPHROTIC SYNDROME, TYPE 1. Identifiers: Orphanet 839, MedGen C0403399, MONDO:0009732, OMIM 256300.
Congenital nephrotic syndrome. Also called: Familial nephrotic syndrome. Identifiers: MedGen C3501848, MeSH C535761, MONDO:0002350, HP:0008677.

Allele frequency attached by ClinVar (database versions not stated): 1000 Genomes Project 30x 0.01780; 1000 Genomes Project 0.01977; TOPMed 0.03248; ESP Exome Variant Server 0.03637; ExAC 0.04074; gnomAD exomes 0.04166 and 0.04614; gnomAD 0.05118.
gnomAD v4.1: 73,056 of 1,613,580 alleles (4.5%); highest among the groups gnomAD compares: Non-Finnish European, 5%; 2,074 homozygotes.

Submissions (13):

Labcorp Genetics (formerly Invitae), Labcorp
Classification: Benign. Last evaluated: 2026-02-04. Review status: criteria provided, single submitter. Criteria: Invitae Variant Classification Sherloc (09022015). Collection method: clinical testing. Allele origin: germline.

Blueprint Genetics
Classification: Benign. Last evaluated: 2024-11-28. Review status: criteria provided, single submitter. Criteria: ACMG Guidelines, 2015. Collection method: clinical testing. Allele origin: germline.

Mayo Clinic Laboratories, Mayo Clinic
Classification: Benign. Last evaluated: 2022-03-09. Review status: criteria provided, single submitter. Criteria: ACMG Guidelines, 2015. Collection method: clinical testing. Allele origin: germline. Observed: 12 variant alleles.

Genome-Nilou Lab
Classification: Benign for Finnish congenital nephrotic syndrome. Last evaluated: 2021-07-08. Review status: criteria provided, single submitter. Criteria: ACMG Guidelines, 2015. Collection method: clinical testing. Allele origin: germline. Affected: no.

GeneDx
Classification: Benign. Last evaluated: 2020-02-14. Review status: criteria provided, single submitter. Criteria: GeneDx Variant Classification Process June 2021. Collection method: clinical testing. Allele origin: germline. Affected: yes.

Athena Diagnostics
Classification: Benign. Last evaluated: 2018-03-26. Review status: criteria provided, single submitter. Criteria: Athena Diagnostics Criteria. Collection method: clinical testing. Allele origin: germline.

Illumina Laboratory Services, Illumina
Classification: Likely benign for Congenital nephrotic syndrome. Last evaluated: 2018-01-13. Review status: criteria provided, single submitter. Criteria: ICSL Variant Classification Criteria 13 December 2019. Collection method: clinical testing. Allele origin: germline.
Comment: This variant was observed in the ICSL laboratory as part of a predisposition screen in an ostensibly healthy population. It had not been previously curated by ICSL or reported in the Human Gene Mutation Database (HGMD: prior to June 1st, 2018), and was therefore a candidate for classification through an automated scoring system. Utilizing variant allele frequency, disease prevalence and penetrance estimates, and inheritance mode, an automated score was calculated to assess if this variant is too frequent to cause the disease. Based on the score and internal cut-off values, a variant classified as likely benign is not then subjected to further curation. The score for this variant resulted in a classification of likely benign for this disease.

Genome Diagnostics Laboratory, The Hospital for Sick Children
Classification: Benign for Focal segmental glomerulosclerosis. Last evaluated: 2017-12-01. Review status: criteria provided, single submitter. Criteria: ACMG Guidelines, 2015. Collection method: clinical testing. Allele origin: germline.

Breakthrough Genomics
Classification: Likely benign. Review status: criteria provided, single submitter. Criteria: ACMG Guidelines, 2015. Collection method: not provided. Allele origin: germline. Inheritance: Autosomal recessive inheritance. Affected: yes.

PreventionGenetics, part of Exact Sciences
Classification: Benign. Review status: criteria provided, single submitter. Criteria: ACMG Guidelines, 2015. Collection method: clinical testing. Allele origin: germline.

Natera, Inc.
Classification: Benign for Finnish congenital nephrotic syndrome. Last evaluated: 2020-09-16. Review status: no assertion criteria provided. Collection method: clinical testing. Allele origin: germline. Not counted in ClinVar's aggregate classification.

Genome Diagnostics Laboratory, University Medical Center Utrecht
Classification: Benign. Review status: no assertion criteria provided. Collection method: clinical testing. Allele origin: germline. Affected: yes. Study: VKGL Data-share Consensus. Not counted in ClinVar's aggregate classification.

Joint Genome Diagnostic Labs from Nijmegen and Maastricht, Radboudumc and MUMC+
Classification: Benign. Review status: no assertion criteria provided. Collection method: clinical testing. Allele origin: germline. Affected: yes. Study: VKGL Data-share Consensus. Not counted in ClinVar's aggregate classification.

NM_004646.4(NPHS1):c.3595-9G>T

Gene: NPHS1 (NPHS1 adhesion molecule, nephrin; minus strand). Cytogenetic location: 19q13.12.
Variant type: single nucleotide variant.
Coding change: c.3595-9G>T on transcript NM_004646.4 (MANE Select); 9 bases into the intron before coding-DNA position 3595, G replaced by T.
Molecular consequence: intron variant.
Genome position (GRCh38, 1-based): chr19:35,826,654, C>A on the plus strand (G>T on the coding strand, the complement: NPHS1 is on the minus strand). VCF-style: chr19-35826654-C-A. GRCh37 (hg19) VCF-style: chr19-36317556-C-A.
Other names: p.?.
Identifiers: ClinVar variation 259501 (VCV000259501.27), dbSNP rs77309273, ClinGen allele CA9389690.